The following is an entry in ClinVar:

NM_002661.5(PLCG2):c.925G>A (p.Val309Met)

Gene: PLCG2 (phospholipase C gamma 2; plus strand). Cytogenetic location: 16q23.3.
Variant type: single nucleotide variant.
Coding change: c.925G>A on transcript NM_002661.5 (MANE Select); coding-DNA position 925, G replaced by A.
Protein change: p.Val309Met; replaces valine 309 with methionine.
Molecular consequence: missense variant.
Genome position (GRCh38, 1-based): chr16:81,891,529, G>A. VCF-style: chr16-81891529-G-A. GRCh37 (hg19) VCF-style: chr16-81925134-G-A.
Other names: short protein forms V309M.
Identifiers: ClinVar variation 951086 (VCV000951086.9), dbSNP rs768664050, ClinGen allele CA285126166.

ClinVar aggregate classification (germline): Uncertain significance. Review status: criteria provided, multiple submitters, no conflicts (2 of 4 stars). 2 submissions from 2 submitters: Uncertain significance (2). Last evaluated 2025-09-30.

Conditions:
Autoinflammation-PLCG2-associated antibody deficiency-immune dysregulation. Also called: Autoinflammation, antibody deficiency, and immune dysregulation syndrome; AUTOINFLAMMATION, ANTIBODY DEFICIENCY, AND IMMUNE DYSREGULATION; Autoinflammation, antibody deficiency, and immune dysregulation, plcg2-associated. Identifiers: Orphanet 324530, MedGen C3553961, MONDO:0013944, OMIM 614878.
Familial cold autoinflammatory syndrome 3 (FCAS3). Also called: FAMILIAL ATYPICAL COLD URTICARIA; ANTIBODY DEFICIENCY AND IMMUNE DYSREGULATION, PLCG2-ASSOCIATED. Identifiers: Orphanet 300359, MedGen C3280914, MONDO:0013766, OMIM 614468.

Allele frequency attached by ClinVar (database versions not stated): gnomAD exomes 0.00001 and 0.00003; gnomAD 0.00005; TOPMed 0.00008.
gnomAD v4.1: 22 of 1,612,844 alleles (0.0014%); highest among the groups gnomAD compares: Admixed American, 0.025%; no homozygotes.

Submissions (2):

Labcorp Genetics (formerly Invitae), Labcorp
Classification: Uncertain significance for Familial cold autoinflammatory syndrome 3. Last evaluated: 2025-09-30. Review status: criteria provided, single submitter. Criteria: Invitae Variant Classification Sherloc (09022015). Collection method: clinical testing. Allele origin: germline.
Comment: This sequence change replaces valine, which is neutral and non-polar, with methionine, which is neutral and non-polar, at codon 309 of the PLCG2 protein (p.Val309Met). This variant is present in population databases (rs768664050, gnomAD 0.02%). This variant has not been reported in the literature in individuals affected with PLCG2-related conditions. ClinVar contains an entry for this variant (Variation ID: 951086). An algorithm developed to predict the effect of missense changes on protein structure and function (PolyPhen-2) suggests that this variant is likely to be disruptive. In summary, the available evidence is currently insufficient to determine the role of this variant in disease. Therefore, it has been classified as a Variant of Uncertain Significance.

Fulgent Genetics
Classification: Uncertain significance for Familial cold autoinflammatory syndrome 3; Autoinflammation-PLCG2-associated antibody deficiency-immune dysregulation. Last evaluated: 2022-02-23. Review status: criteria provided, single submitter. Criteria: ACMG Guidelines, 2015. Collection method: clinical testing. Allele origin: unknown.